The following is an entry in ClinVar:

ClinVar aggregate classification (germline): Uncertain significance (1 of 4 stars; one submission).

Allele frequency attached by ClinVar (database versions not stated): TOPMed below 0.00001; ExAC 0.00001; gnomAD exomes 0.00001 and 0.00002.

Submission:

GeneDx
Classification: Uncertain significance. Last evaluated: 2021-04-02. Review status: criteria provided, single submitter. Criteria: GeneDx Variant Classification Process June 2021. Collection method: clinical testing. Allele origin: germline. Affected: yes.
Comment: Has not been previously published as pathogenic or benign to our knowledge; In silico analysis, which includes splice predictors and evolutionary conservation, suggests this variant may impact gene splicing. In the absence of RNA/functional studies, the actual effect of this sequence change is unknown.

NM_004733.4(SLC33A1):c.849A>G (p.Glu283=)

Gene: SLC33A1 (solute carrier family 33 member 1; minus strand). Cytogenetic location: 3q25.31.
Variant type: single nucleotide variant.
Coding change: c.849A>G on transcript NM_004733.4 (MANE Select); coding-DNA position 849, A replaced by G.
Protein change: p.Glu283=; no amino-acid change (glutamic acid 283 retained).
Molecular consequence: synonymous variant. On other transcripts: intron variant (1).
Genome position (GRCh38, 1-based): chr3:155,842,546, T>C on the plus strand (A>G on the coding strand, the complement: SLC33A1 is on the minus strand). VCF-style: chr3-155842546-T-C. GRCh37 (hg19) VCF-style: chr3-155560335-T-C.
Other names: c.849A>G, p.Glu283= (NM_001190992.2); c.776-8505A>G (NM_001363883.1).
Identifiers: ClinVar variation 1314453 (VCV001314453.2), dbSNP rs766887166, ClinGen allele CA2677359.